The following is an entry in ClinVar:

NM_001903.5(CTNNA1):c.2621_2627dup (p.Asp876fs)

Gene: CTNNA1 (catenin alpha 1; plus strand). Cytogenetic location: 5q31.2.
Variant type: Duplication.
Coding change: c.2621_2627dup on transcript NM_001903.5 (MANE Select); coding-DNA positions 2621 to 2627, 7 bases duplicated (AACAGGA; older notation c.2621_2627dupAACAGGA).
Protein change: p.Asp876fs; shifts the reading frame from aspartic acid 876.
Molecular consequence: frameshift variant. On other transcripts: 3 prime UTR variant (5).
Genome position (GRCh38, 1-based): chr5:138,933,989-138,933,995, AACAGGA duplicated; duplicating any 7 consecutive bases within chr5:138,933,987-138,933,995 gives the same sequence; the c. name uses the placement nearest the transcript's 3' end. VCF-style (leftmost placement, unchanged base first): chr5-138933986-A-AGAAACAG. GRCh37 (hg19) VCF-style: chr5-138269675-A-AGAAACAG.
Other names: c.*166_*172dup (NM_001290307.3, NM_001324002.1, NM_001324003.1 and 2 more transcripts); c.2312_2318dup, p.Asp773fs (NM_001290309.3); c.2252_2258dup, p.Asp753fs (NM_001290310.3); c.1511_1517dup, p.Asp506fs (NM_001290312.1, NM_001323987.1, NM_001323988.1 and 12 more transcripts); c.2621_2627dup, p.Asp876fs (NM_001323982.2, NM_001323983.1, NM_001323984.2); c.2594_2600dup, p.Asp867fs (NM_001323985.2); c.2528_2534dup, p.Asp845fs (NM_001323986.2); c.1376_1382dup, p.Asp461fs (NM_001324001.1); and 3 more; short protein forms D393fs, D753fs, D845fs, D867fs, D876fs, D461fs, D475fs, D506fs.
Identifiers: ClinVar variation 650236 (VCV000650236.8), dbSNP rs1580946185, ClinGen allele CA915942582.

ClinVar aggregate classification (germline): Uncertain significance (1 of 4 stars; one submission).

Submission:

Labcorp Genetics (formerly Invitae), Labcorp
Classification: Uncertain significance. Last evaluated: 2018-10-13. Review status: criteria provided, single submitter. Criteria: Invitae Variant Classification Sherloc (09022015). Collection method: clinical testing. Allele origin: germline.
Comment: This sequence change results in a premature translational stop signal in the CTNNA1 gene (p.Asp876Glufs*4). While this is not anticipated to result in nonsense mediated decay, it is expected to disrupt the last 31 amino acids of the CTNNA1 protein. This variant is not present in population databases (ExAC no frequency). This variant has not been reported in the literature in individuals with CTNNA1-related disease. Experimental studies and prediction algorithms are not available for this variant, and the functional significance of the affected amino acid(s) is currently unknown. In summary, the available evidence is currently insufficient to determine the role of this variant in disease. Therefore, it has been classified as a Variant of Uncertain Significance.